The following is an entry in ClinVar:

ClinVar aggregate classification (germline): Uncertain significance. Review status: criteria provided, multiple submitters, no conflicts (2 of 4 stars). 4 submissions from 4 submitters: Uncertain significance (4). Last evaluated 2025-09-22.

Conditions:
Singleton-Merten syndrome 1 (SGMRT1). Also called: Widened medullary cavities of bone, aortic calcification, abnormal dentition, and muscular weakness; Syndrome of widened medullary cavities of the metacarpals and phalanges, aortic calcification and abnormal dentition. Identifiers: Orphanet 85191, MedGen C4225427, MONDO:0024535, OMIM 182250.
Aicardi-Goutieres syndrome 7 (AGS7). Identifiers: Orphanet 51, MedGen C3888244, MONDO:0014367, OMIM 615846.
Inborn genetic diseases. Identifiers: MedGen C0950123, MeSH D030342.

gnomAD v4.1: 3 of 1,614,070 alleles (0.00019%); highest among the groups gnomAD compares: Non-Finnish European, 0.00025%; no homozygotes.

Submissions (4):

Mayo Clinic Laboratories, Mayo Clinic
Classification: Uncertain significance. Last evaluated: 2025-09-22. Review status: criteria provided, single submitter. Criteria: ACMG Guidelines, 2015. Collection method: clinical testing. Allele origin: germline. Observed: 1 variant allele.
Comment: PM2_supporting

Ambry Genetics
Classification: Uncertain significance for Inborn genetic diseases. Last evaluated: 2025-08-23. Review status: criteria provided, single submitter. Criteria: Ambry Variant Classification Scheme 2023. Collection method: clinical testing. Allele origin: germline.

Labcorp Genetics (formerly Invitae), Labcorp
Classification: Uncertain significance for Aicardi-Goutieres syndrome 7; Singleton-Merten syndrome 1. Last evaluated: 2024-11-26. Review status: criteria provided, single submitter. Criteria: Invitae Variant Classification Sherloc (09022015). Collection method: clinical testing. Allele origin: germline.
Comment: This sequence change replaces aspartic acid, which is acidic and polar, with glycine, which is neutral and non-polar, at codon 112 of the IFIH1 protein (p.Asp112Gly). This variant is not present in population databases (gnomAD no frequency). This variant has not been reported in the literature in individuals affected with IFIH1-related conditions. Invitae Evidence Modeling of protein sequence and biophysical properties (such as structural, functional, and spatial information, amino acid conservation, physicochemical variation, residue mobility, and thermodynamic stability) has been performed for this missense variant. However, the output from this modeling did not meet the statistical confidence thresholds required to predict the impact of this variant on IFIH1 protein function. In summary, the available evidence is currently insufficient to determine the role of this variant in disease. Therefore, it has been classified as a Variant of Uncertain Significance.

GeneDx
Classification: Uncertain significance. Last evaluated: 2024-06-14. Review status: criteria provided, single submitter. Criteria: GeneDx Variant Classification Process June 2021. Collection method: clinical testing. Allele origin: germline. Affected: yes.
Comment: Not observed at significant frequency in large population cohorts (gnomAD); In silico analysis supports that this missense variant has a deleterious effect on protein structure/function; Has not been previously published as pathogenic or benign to our knowledge

NM_022168.4(IFIH1):c.335A>G (p.Asp112Gly)

Gene: IFIH1 (interferon induced with helicase C domain 1; minus strand). Cytogenetic location: 2q24.2.
Variant type: single nucleotide variant.
Coding change: c.335A>G on transcript NM_022168.4 (MANE Select); coding-DNA position 335, A replaced by G.
Protein change: p.Asp112Gly; replaces aspartic acid 112 with glycine.
Molecular consequence: missense variant.
Genome position (GRCh38, 1-based): chr2:162,317,973, T>C on the plus strand (A>G on the coding strand, the complement: IFIH1 is on the minus strand). VCF-style: chr2-162317973-T-C. GRCh37 (hg19) VCF-style: chr2-163174483-T-C.
Other names: p.Asp112Gly; c.335A>G (NM_022168.2); short protein forms D112G.
Identifiers: ClinVar variation 3390532 (VCV003390532.5).
Genomic context (GRCh38, chr2:162,317,973, plus strand): 5'-CTAACTAGAAGCTTGTCCACCAGAGTGGGCTGAAGGAGGTTCAGCAGTTGGAGATATTCA[T>C]CATGAGCGTTCTCAAACGATGGAGAGGGCAAGTCCGTGAGCTCAGGGTTCATGTAGCGGG-3'
Protein context (NP_071451.2, residues 102-122): LPSPSFENAH[Asp112Gly]EYLQLLNLLQ